The following is an entry in ClinVar:

NM_013275.6(ANKRD11):c.2944G>A (p.Glu982Lys)

Gene: ANKRD11 (ankyrin repeat domain 11; minus strand). Cytogenetic location: 16q24.3.
Variant type: single nucleotide variant.
Coding change: c.2944G>A on transcript NM_013275.6 (MANE Select); coding-DNA position 2944, G replaced by A.
Protein change: p.Glu982Lys; replaces glutamic acid 982 with lysine.
Molecular consequence: missense variant.
Genome position (GRCh38, 1-based): chr16:89,283,598, C>T on the plus strand (G>A on the coding strand, the complement: ANKRD11 is on the minus strand). VCF-style: chr16-89283598-C-T. GRCh37 (hg19) VCF-style: chr16-89350006-C-T.
Other names: c.2944G>A, p.Glu982Lys (NM_001256182.2, NM_001256183.2); short protein forms E982K.
Identifiers: ClinVar variation 2711141 (VCV002711141.3), dbSNP rs779463117, ClinGen allele CA397160945.

ClinVar aggregate classification (germline): Uncertain significance (1 of 4 stars; one submission).

Conditions:
KBG syndrome (KBGS). Also called: ANKRD11-Related KBG Syndrome. Identifiers: Orphanet 2332, MedGen C0220687, MONDO:0007846, OMIM 148050.

gnomAD v4.1: 3 of 1,610,024 alleles (0.00019%); highest among the groups gnomAD compares: African/African-American, 0.0013%; no homozygotes.

Submission:

Labcorp Genetics (formerly Invitae), Labcorp
Classification: Uncertain significance for KBG syndrome. Last evaluated: 2024-01-27. Review status: criteria provided, single submitter. Criteria: Invitae Variant Classification Sherloc (09022015). Collection method: clinical testing. Allele origin: germline.
Comment: This sequence change replaces glutamic acid, which is acidic and polar, with lysine, which is basic and polar, at codon 982 of the ANKRD11 protein (p.Glu982Lys). This variant is present in population databases (no rsID available, gnomAD 0.003%). This variant has not been reported in the literature in individuals affected with ANKRD11-related conditions. Advanced modeling of protein sequence and biophysical properties (such as structural, functional, and spatial information, amino acid conservation, physicochemical variation, residue mobility, and thermodynamic stability) performed at Invitae indicates that this missense variant is not expected to disrupt ANKRD11 protein function with a negative predictive value of 95%. In summary, the available evidence is currently insufficient to determine the role of this variant in disease. Therefore, it has been classified as a Variant of Uncertain Significance.